The following is an entry in ClinVar:

NM_004370.6(COL12A1):c.565A>G (p.Arg189Gly)

Gene: COL12A1 (collagen type XII alpha 1 chain; minus strand). Cytogenetic location: 6q13.
Variant type: single nucleotide variant.
Coding change: c.565A>G on transcript NM_004370.6 (MANE Select); coding-DNA position 565, A replaced by G.
Protein change: p.Arg189Gly; replaces arginine 189 with glycine.
Molecular consequence: missense variant. On other transcripts: intron variant (2).
Genome position (GRCh38, 1-based): chr6:75,189,645, T>C on the plus strand (A>G on the coding strand, the complement: COL12A1 is on the minus strand). VCF-style: chr6-75189645-T-C. GRCh37 (hg19) VCF-style: chr6-75899361-T-C.
Other names: c.565A>G, p.Arg189Gly (NM_001424113.1, NM_001424114.1, NM_001424115.1); c.73+13075A>G (NM_001424116.1, NM_080645.3); short protein forms R189G.
Identifiers: ClinVar variation 3365078 (VCV003365078.1).

ClinVar aggregate classification (germline): Uncertain significance (1 of 4 stars; one submission).

gnomAD v4.1: 1 of 1,613,406 alleles (0.000062%); highest among the groups gnomAD compares: Non-Finnish European, 0.000085%; no homozygotes.

Submission:

GeneDx
Classification: Uncertain significance. Last evaluated: 2023-11-29. Review status: criteria provided, single submitter. Criteria: GeneDx Variant Classification Process June 2021. Collection method: clinical testing. Allele origin: germline. Affected: yes.
Comment: Not observed at significant frequency in large population cohorts (gnomAD); In silico analysis supports that this missense variant does not alter protein structure/function; Has not been previously published as pathogenic or benign to our knowledge